The following is an entry in ClinVar:

ClinVar aggregate classification (germline): Uncertain significance (1 of 4 stars; one submission).

Submission:

GeneDx
Classification: Uncertain significance. Last evaluated: 2023-12-12. Review status: criteria provided, single submitter. Criteria: GeneDx Variant Classification Process June 2021. Collection method: clinical testing. Allele origin: germline. Affected: yes.
Comment: Not observed at significant frequency in large population cohorts (gnomAD); In silico analysis supports that this missense variant has a deleterious effect on protein structure/function; Has not been previously published as pathogenic or benign to our knowledge; Variants in candidate genes are classified as variants of uncertain significance in accordance with ACMG guidelines (PMID: 25741868)

NM_003400.4(XPO1):c.1919T>C (p.Met640Thr)

Gene: XPO1 (exportin 1; minus strand). Cytogenetic location: 2p15.
Variant type: single nucleotide variant.
Coding change: c.1919T>C on transcript NM_003400.4 (MANE Select); coding-DNA position 1919, T replaced by C.
Protein change: p.Met640Thr; replaces methionine 640 with threonine.
Molecular consequence: missense variant. On other transcripts: intron variant (1).
Genome position (GRCh38, 1-based): chr2:61,490,745, A>G on the plus strand (T>C on the coding strand, the complement: XPO1 is on the minus strand). VCF-style: chr2-61490745-A-G. GRCh37 (hg19) VCF-style: chr2-61717880-A-G.
Other names: c.1887+1290T>C (NM_001410799.1); short protein forms M640T.
Identifiers: ClinVar variation 4076630 (VCV004076630.1).